The following is an entry in ClinVar:

NM_006031.6(PCNT):c.1033A>G (p.Thr345Ala)

Gene: PCNT (pericentrin; plus strand). Cytogenetic location: 21q22.3.
Variant type: single nucleotide variant.
Coding change: c.1033A>G on transcript NM_006031.6 (MANE Select); coding-DNA position 1033, A replaced by G.
Protein change: p.Thr345Ala; replaces threonine 345 with alanine.
Molecular consequence: missense variant.
Genome position (GRCh38, 1-based): chr21:46,349,012, A>G. VCF-style: chr21-46349012-A-G. GRCh37 (hg19) VCF-style: chr21-47768926-A-G.
Other names: c.679A>G, p.Thr227Ala (NM_001315529.2); short protein forms T227A, T345A.
Identifiers: ClinVar variation 4984170 (VCV004984170.1).

ClinVar aggregate classification (germline): Uncertain significance (1 of 4 stars; one submission).

Conditions:
PCNT-related disorder. Also called: PCNT-related condition.

gnomAD v4.1: 5 of 1,558,934 alleles (0.00032%); highest among the groups gnomAD compares: Non-Finnish European, 0.00044%; no homozygotes.

Submission:

PreventionGenetics, part of Exact Sciences
Classification: Uncertain significance for PCNT-related condition. Last evaluated: 2025-06-04. Review status: criteria provided, single submitter. Criteria: ACMG Guidelines, 2015. Collection method: clinical testing. Allele origin: germline.
Comment: The PCNT c.1033A>G variant is predicted to result in the amino acid substitution p.Thr345Ala. To our knowledge, this variant has not been reported in the literature. This variant is reported in 0.0018% of alleles in individuals of European (Non-Finnish) descent in gnomAD. At this time, the clinical significance of this variant is uncertain due to the absence of conclusive functional and genetic evidence.